The following is an entry in ClinVar:

ClinVar aggregate classification (germline): Likely benign (1 of 4 stars; one submission).

Allele frequency attached by ClinVar (database versions not stated): gnomAD exomes below 0.00001; TOPMed 0.00001; gnomAD 0.00002.
gnomAD v4.1: 9 of 1,614,132 alleles (0.00056%); highest among the groups gnomAD compares: Admixed American, 0.005%; no homozygotes.

Submission:

CeGaT Center for Human Genetics Tuebingen
Classification: Likely benign. Last evaluated: 2024-03-01. Review status: criteria provided, single submitter. Criteria: CeGaT Center For Human Genetics Tuebingen Variant Classification Criteria Version 2. Collection method: clinical testing. Allele origin: germline. Affected: yes. Observed: 1 variant allele.
Comment: KMT2C: BP4, BP7

NM_170606.3(KMT2C):c.10467A>G (p.Gln3489=)

Gene: KMT2C (lysine methyltransferase 2C; minus strand). Cytogenetic location: 7q36.1.
Variant type: single nucleotide variant.
Coding change: c.10467A>G on transcript NM_170606.3 (MANE Select); coding-DNA position 10467, A replaced by G.
Protein change: p.Gln3489=; no amino-acid change (glutamine 3489 retained).
Molecular consequence: synonymous variant.
Genome position (GRCh38, 1-based): chr7:152,163,110, T>C on the plus strand (A>G on the coding strand, the complement: KMT2C is on the minus strand). VCF-style: chr7-152163110-T-C. GRCh37 (hg19) VCF-style: chr7-151860195-T-C.
Identifiers: ClinVar variation 3067704 (VCV003067704.21), dbSNP rs1282281845, ClinGen allele CA458885822.